The following is an entry in ClinVar:

ClinVar aggregate classification (germline): Uncertain significance (1 of 4 stars; one submission).

Conditions:
Polyhydramnios, megalencephaly, and symptomatic epilepsy (PMSE). Also called: PMSE SYNDROME. Identifiers: Orphanet 500533, MedGen C1970203, MONDO:0012611, OMIM 611087.

Submission:

Labcorp Genetics (formerly Invitae), Labcorp
Classification: Uncertain significance for Polyhydramnios, megalencephaly, and symptomatic epilepsy. Last evaluated: 2021-05-19. Review status: criteria provided, single submitter. Criteria: Invitae Variant Classification Sherloc (09022015). Collection method: clinical testing. Allele origin: germline.
Comment: Algorithms developed to predict the effect of missense changes on protein structure and function are either unavailable or do not agree on the potential impact of this missense change (SIFT: "Tolerated"; PolyPhen-2: "Probably Damaging"; Align-GVGD: "Class C0"). In summary, the available evidence is currently insufficient to determine the role of this variant in disease. Therefore, it has been classified as a Variant of Uncertain Significance. This variant has not been reported in the literature in individuals with STRADA-related conditions. This variant is not present in population databases (ExAC no frequency). This sequence change replaces threonine with alanine at codon 285 of the STRADA protein (p.Thr285Ala). The threonine residue is highly conserved and there is a small physicochemical difference between threonine and alanine.

NM_001003787.4(STRADA):c.853A>G (p.Thr285Ala)

Gene: STRADA (STE20 related adaptor alpha; minus strand). Cytogenetic location: 17q23.3.
Variant type: single nucleotide variant.
Coding change: c.853A>G on transcript NM_001003787.4 (MANE Select); coding-DNA position 853, A replaced by G.
Protein change: p.Thr285Ala; replaces threonine 285 with alanine.
Molecular consequence: missense variant. On other transcripts: non-coding transcript variant (1).
Genome position (GRCh38, 1-based): chr17:63,706,640, T>C on the plus strand (A>G on the coding strand, the complement: STRADA is on the minus strand). VCF-style: chr17-63706640-T-C. GRCh37 (hg19) VCF-style: chr17-61784000-T-C.
Other names: c.742A>G, p.Thr248Ala (NM_001003786.3, NM_001363789.1, NM_153335.6); c.679A>G, p.Thr227Ala (NM_001003788.3, NM_001363790.1, NM_001363791.1); c.766A>G, p.Thr256Ala (NM_001165969.2, NM_001363787.1); c.721A>G, p.Thr241Ala (NM_001165970.2); c.829A>G, p.Thr277Ala (NM_001363786.1); c.853A>G, p.Thr285Ala (NM_001363788.1); short protein forms T241A, T256A, T277A, T248A, T227A, T285A.
Identifiers: ClinVar variation 1507251 (VCV001507251.8), dbSNP rs2143771383, ClinGen allele CA400590497.
Genomic context (GRCh38, chr17:63,706,640, plus strand): 5'-GAACATCTGTGGAAGGCAAGCAGGCAAGAAGGAAACCGATGGGCGGCAGGCTTACCTGGG[T>C]GGCAGGCATATCCTTAAAGGGGACATGGCCGTTGGCCAGTTCACAGGCTGTGATTCCCAC-3'
Protein context (NP_001003787.1, residues 275-295): GHVPFKDMPA[Thr285Ala]QMLLEKLNGT